The following is an entry in ClinVar:

NM_001035.3(RYR2):c.12075T>C (p.Asp4025=)

Gene: RYR2 (ryanodine receptor 2; plus strand). Cytogenetic location: 1q43.
Variant type: single nucleotide variant.
Coding change: c.12075T>C on transcript NM_001035.3 (MANE Select); coding-DNA position 12075, T replaced by C.
Protein change: p.Asp4025=; no amino-acid change (aspartic acid 4025 retained).
Molecular consequence: synonymous variant.
Genome position (GRCh38, 1-based): chr1:237,783,787, T>C. VCF-style: chr1-237783787-T-C. GRCh37 (hg19) VCF-style: chr1-237947087-T-C.
Identifiers: ClinVar variation 754296 (VCV000754296.15), dbSNP rs570554092, ClinGen allele CA085117.
Genomic context (GRCh38, chr1:237,783,787, plus strand): 5'-ATCTTCCAACAACGTGGAGATGATTCTCAAATTTTTTGACATGTTCTTAAAACTAAAGGA[T>C]TTGACGTCGTCTGATACTTTTAAAGAATATGACCCCGATGGCAAGGGAGTCATTTCCAAG-3'
Protein context (NP_001026.2, residues 4015-4035): KFFDMFLKLK[Asp4025=]LTSSDTFKEY

ClinVar aggregate classification (germline): Likely benign. Review status: criteria provided, multiple submitters, no conflicts (2 of 4 stars). 3 submissions from 3 submitters: Likely benign (3). Last evaluated 2024-09-23.

Conditions:
Catecholaminergic polymorphic ventricular tachycardia 1. Also called: RYR2-Related Catecholaminergic Polymorphic Ventricular Tachycardia; VENTRICULAR TACHYCARDIA, STRESS-INDUCED POLYMORPHIC 1; VENTRICULAR TACHYCARDIA, CATECHOLAMINERGIC POLYMORPHIC, 1, WITH OR WITHOUT ATRIAL DYSFUNCTION AND/OR DILATED CARDIOMYOPATHY. Identifiers: Orphanet 3286, MedGen C1631597, MONDO:0011484, OMIM 604772.
Catecholaminergic polymorphic ventricular tachycardia (CVPT). Also called: Catecholamine-induced polymorphic ventricular tachycardia. Identifiers: Orphanet 3286, MedGen C5574922, MONDO:0017990.
Cardiomyopathy (CMYO). Also called: Cardiomyopathies. Identifiers: Orphanet 167848, MedGen C0878544, MONDO:0004994, HP:0001638. Inheritance: Various modes of inheritance.

Allele frequency attached by ClinVar (database versions not stated): gnomAD 0.00001; gnomAD exomes 0.00001 and 0.00003; TOPMed 0.00001; ExAC 0.00005; 1000 Genomes Project 30x 0.00016; 1000 Genomes Project 0.00020.
gnomAD v4.1: 17 of 1,613,466 alleles (0.0011%); highest among the groups gnomAD compares: South Asian, 0.018%; no homozygotes.

Submissions (3):

All of Us Research Program, National Institutes of Health
Classification: Likely benign for Catecholaminergic polymorphic ventricular tachycardia. Last evaluated: 2024-09-23. Review status: criteria provided, single submitter. Criteria: ACMG Guidelines, 2015. Collection method: clinical testing. Allele origin: germline. Inheritance: Autosomal dominant inheritance. Observed: 1 variant allele, 1 heterozygote.
Comment: This study involves interpretation of variants in research participants for the purpose of population health screening. Participant phenotype was not available at the time of variant classification. Additional details can be found in publication PMID: 35346344, PMCID: PMC8962531

Labcorp Genetics (formerly Invitae), Labcorp
Classification: Likely benign for Catecholaminergic polymorphic ventricular tachycardia 1. Last evaluated: 2023-07-17. Review status: criteria provided, single submitter. Criteria: Invitae Variant Classification Sherloc (09022015). Collection method: clinical testing. Allele origin: germline.

Color Diagnostics, LLC DBA Color Health
Classification: Likely benign for Cardiomyopathy. Last evaluated: 2019-07-15. Review status: criteria provided, single submitter. Criteria: ACMG Guidelines, 2015. Collection method: clinical testing. Allele origin: germline.